The following is an entry in ClinVar:

NM_001354712.2(THRB):c.826A>T (p.Ile276Phe)

Gene: THRB (thyroid hormone receptor beta; minus strand). Cytogenetic location: 3p24.2.
Variant type: single nucleotide variant.
Coding change: c.826A>T on transcript NM_001354712.2 (MANE Select); coding-DNA position 826, A replaced by T.
Protein change: p.Ile276Phe; replaces isoleucine 276 with phenylalanine.
Molecular consequence: missense variant.
Genome position (GRCh38, 1-based): chr3:24,133,375, T>A on the plus strand (A>T on the coding strand, the complement: THRB is on the minus strand). VCF-style: chr3-24133375-T-A. GRCh37 (hg19) VCF-style: chr3-24174866-T-A.
Other names: c.826A>T, p.Ile276Phe (NM_000461.5, NM_001128176.3, NM_001374822.1 and 12 more transcripts); c.733A>T, p.Ile245Phe (NM_001354715.2, NM_001354714.2); short protein forms I245F, I276F.
Identifiers: ClinVar variation 4855191 (VCV004855191.1).

ClinVar aggregate classification (germline): Uncertain significance (1 of 4 stars; one submission).

Conditions:
Thyroid hormone resistance, generalized, autosomal dominant (GRTHD). Also called: HYPERTHYROXINEMIA, FAMILIAL EUTHYROID, SECONDARY TO PITUITARY AND PERIPHERAL RESISTANCE TO THYROID HORMONES. Identifiers: MedGen C2937288, MONDO:0008569, OMIM 188570.

Submission:

3billion
Classification: Uncertain significance for Thyroid hormone resistance, generalized, autosomal dominant. Last evaluated: 2025-08-26. Review status: criteria provided, single submitter. Criteria: ACMG Guidelines, 2015. Collection method: clinical testing. Allele origin: germline. Affected: yes.
Comment: The variant is not observed in the gnomAD v4.1.0 dataset. Predicted Consequence/Location: Missense variant. Missense changes are a common disease-causing mechanism. In silico tool predictions suggest damaging effect of the variant on gene or gene product [REVEL: 0.86 (>=0.6, sensitivity 0.68 and specificity 0.92); 3Cnet: 1.00 (> 0.75, sensitivity 0.96 and precision 0.92)]. Different missense changes at the same codon (p.Ile276Asn, p.Ile276Leu) have been reported to be associated with THRB-related disorder (PMID: 15913586, 22360271). However the evidence of pathogenicity is insufficient at this time. Therefore, this variant is classified as VUS according to the recommendation of ACMG/AMP guideline.

Literature cited by the submitters: PubMed 15913586.